The following is an entry in ClinVar:

ClinVar aggregate classification (germline): Uncertain significance. Review status: criteria provided, multiple submitters, no conflicts (2 of 4 stars). 3 submissions from 3 submitters: Uncertain significance (3). Last evaluated 2025-09-22.

Conditions:
Inborn genetic diseases. Identifiers: MedGen C0950123, MeSH D030342.

Allele frequency attached by ClinVar (database versions not stated): gnomAD 0.00009 and 0.00010; ESP Exome Variant Server 0.00008; ExAC 0.00003; gnomAD exomes 0.00003; TOPMed 0.00012.

Submissions (3):

Ambry Genetics
Classification: Uncertain significance for Inborn genetic diseases. Last evaluated: 2025-09-22. Review status: criteria provided, single submitter. Criteria: Ambry Variant Classification Scheme 2023. Collection method: clinical testing. Allele origin: germline.

Eurofins Ntd Llc (ga)
Classification: Uncertain significance. Last evaluated: 2017-11-09. Review status: criteria provided, single submitter. Criteria: EGL Classification Definitions 2015. Collection method: clinical testing. Allele origin: germline. Observed: 1 variant allele, 1 heterozygote.

GeneDx
Classification: Uncertain significance. Last evaluated: 2016-10-20. Review status: criteria provided, single submitter. Criteria: GeneDx Variant Classification (06012015). Collection method: clinical testing. Allele origin: germline. Affected: yes.
Comment: A variant of uncertain significance has been identified in the CLP1 gene. The C215Y variant has not been published as a pathogenic variant, nor has it been reported as a benign variant to our knowledge. The C215Y variant was not observed with any significant frequency in approximately 6,500 individuals of European and African American ancestry in the NHLBI Exome Sequencing Project. The C215Y variant is a non-conservative amino acid substitution, which is likely to impact secondary protein structure as these residues differ in polarity, charge, size and/or other properties. This substitution occurs at a position that is conserved across species, and in silico analysis predicts this variant is probably damaging to the protein structure/function. Based on the currently available information, it is unclear whether this variant is a pathogenic variant or a rare benign variant.

NM_006831.3(CLP1):c.644G>A (p.Cys215Tyr)

Gene: CLP1 (cleavage factor polyribonucleotide kinase subunit 1; plus strand). Cytogenetic location: 11q12.1.
Variant type: single nucleotide variant.
Coding change: c.644G>A on transcript NM_006831.3 (MANE Select); coding-DNA position 644, G replaced by A.
Protein change: p.Cys215Tyr; replaces cysteine 215 with tyrosine.
Molecular consequence: missense variant.
Genome position (GRCh38, 1-based): chr11:57,660,802, G>A. VCF-style: chr11-57660802-G-A. GRCh37 (hg19) VCF-style: chr11-57428274-G-A.
Other names: c.452G>A, p.Cys151Tyr (NM_001142597.2); short protein forms C215Y, C151Y.
Identifiers: ClinVar variation 422519 (VCV000422519.7), dbSNP rs370085533, ClinGen allele CA6008563.